The following is an entry in ClinVar:

ClinVar aggregate classification (germline): Uncertain significance (1 of 4 stars; one submission).

Conditions:
Hypertrophic cardiomyopathy. Also called: HYPERTROPHIC MYOCARDIOPATHY. Identifiers: Orphanet 217569, MedGen C0007194, MeSH D002312, MONDO:0005045, HP:0001639.

gnomAD v4.1: 7 of 1,607,468 alleles (0.00044%); highest among the groups gnomAD compares: South Asian, 0.0067%; no homozygotes.

Submission:

Labcorp Genetics (formerly Invitae), Labcorp
Classification: Uncertain significance for Hypertrophic cardiomyopathy. Last evaluated: 2026-01-28. Review status: criteria provided, single submitter. Criteria: Invitae Variant Classification Sherloc (09022015). Collection method: clinical testing. Allele origin: germline.
Comment: This sequence change replaces arginine, which is basic and polar, with lysine, which is basic and polar, at codon 1150 of the MYBPC3 protein (p.Arg1150Lys). The frequency data for this variant in the population databases is considered unreliable, as metrics indicate poor data quality at this position in the gnomAD database. This variant has not been reported in the literature in individuals affected with MYBPC3-related conditions. An algorithm developed to predict the effect of missense changes on protein structure and function outputs the following: PolyPhen-2: "Benign". The lysine amino acid residue is found in multiple mammalian species, which suggests that this missense change does not adversely affect protein function. In summary, the available evidence is currently insufficient to determine the role of this variant in disease. Therefore, it has been classified as a Variant of Uncertain Significance.

NM_000256.3(MYBPC3):c.3449G>A (p.Arg1150Lys)

Gene: MYBPC3 (myosin binding protein C3; minus strand). Cytogenetic location: 11p11.2.
Variant type: single nucleotide variant.
Coding change: c.3449G>A on transcript NM_000256.3 (MANE Select); coding-DNA position 3449, G replaced by A.
Protein change: p.Arg1150Lys; replaces arginine 1150 with lysine.
Molecular consequence: missense variant.
Genome position (GRCh38, 1-based): chr11:47,332,855, C>T on the plus strand (G>A on the coding strand, the complement: MYBPC3 is on the minus strand). VCF-style: chr11-47332855-C-T. GRCh37 (hg19) VCF-style: chr11-47354406-C-T.
Other names: short protein forms R1150K.
Identifiers: ClinVar variation 4704145 (VCV004704145.1).